The following is an entry in ClinVar:

ClinVar aggregate classification (germline): Pathogenic (3 of 4 stars; one submission).

Conditions:
Lynch syndrome. Identifiers: Orphanet 144, MedGen C4552100, MONDO:0005835. Disease mechanism: loss of function.

Submission:

International Society for Gastrointestinal Hereditary Tumours (InSiGHT)
Classification: Pathogenic for Lynch Syndrome. Last evaluated: 2013-09-05. Review status: reviewed by expert panel. Criteria: Guidelines v1.9. Collection method: research. Allele origin: germline.
Comment: Coding sequence variation resulting in a stop codon

Classified with v1.9 guidelines

NM_000179.3(MSH6):c.3182del (p.Leu1061fs)

Gene: MSH6 (mutS homolog 6; plus strand). Cytogenetic location: 2p16.3.
Variant type: Deletion.
Coding change: c.3182del on transcript NM_000179.3 (MANE Select); coding-DNA position 3182, one base deleted (T; older notation c.3182delT).
Protein change: p.Leu1061fs; shifts the reading frame from leucine 1061.
Molecular consequence: frameshift variant.
Genome position (GRCh38, 1-based): chr2:47,803,429, T deleted. VCF-style (leftmost placement, unchanged base first): chr2-47803428-CT-C. GRCh37 (hg19) VCF-style: chr2-48030567-CT-C.
Other names: c.2792del, p.Leu931fs (NM_001281492.2); c.2276del, p.Leu759fs (NM_001281493.2, NM_001281494.2); short protein forms L931fs, L759fs.
Identifiers: ClinVar variation 89349 (VCV000089349.2), dbSNP rs63750196, ClinGen allele CA011798.